The following is an entry in ClinVar:

NM_004725.4(BUB3):c.865A>G (p.Thr289Ala)

Gene: BUB3 (BUB3 mitotic checkpoint protein; plus strand). Cytogenetic location: 10q26.13.
Variant type: single nucleotide variant.
Coding change: c.865A>G on transcript NM_004725.4 (MANE Select); coding-DNA position 865, A replaced by G.
Protein change: p.Thr289Ala; replaces threonine 289 with alanine.
Molecular consequence: missense variant.
Genome position (GRCh38, 1-based): chr10:123,162,722, A>G. VCF-style: chr10-123162722-A-G. GRCh37 (hg19) VCF-style: chr10-124922238-A-G.
Other names: c.865A>G, p.Thr289Ala (NM_001007793.3); short protein forms T289A.
Identifiers: ClinVar variation 2496880 (VCV002496880.2), dbSNP rs1844441053, ClinGen allele CA378627089.

ClinVar aggregate classification (germline): Uncertain significance (1 of 4 stars; one submission).

Allele frequency attached by ClinVar (database versions not stated): TOPMed below 0.00001.
gnomAD v4.1: 2 of 1,613,974 alleles (0.00012%); no homozygotes.

Submission:

Ambry Genetics
Classification: Uncertain significance. Last evaluated: 2022-11-03. Review status: criteria provided, single submitter. Criteria: Ambry Variant Classification Scheme 2023. Collection method: clinical testing. Allele origin: germline.
Comment: The p.T289A variant (also known as c.865A>G), located in coding exon 6 of the BUB3 gene, results from an A to G substitution at nucleotide position 865. The threonine at codon 289 is replaced by alanine, an amino acid with similar properties. This amino acid position is conserved. In addition, this alteration is predicted to be tolerated by in silico analysis. Since supporting evidence is limited at this time, the clinical significance of this alteration remains unclear.